The following is an entry in ClinVar:

NM_001277115.2(DNAH11):c.4130G>A (p.Trp1377Ter)

Gene: DNAH11 (dynein axonemal heavy chain 11; plus strand). Cytogenetic location: 7p15.3.
Variant type: single nucleotide variant.
Coding change: c.4130G>A on transcript NM_001277115.2 (MANE Select); coding-DNA position 4130, G replaced by A.
Protein change: p.Trp1377Ter; replaces tryptophan 1377 with a stop codon.
Molecular consequence: nonsense.
Genome position (GRCh38, 1-based): chr7:21,617,653, G>A. VCF-style: chr7-21617653-G-A. GRCh37 (hg19) VCF-style: chr7-21657271-G-A.
Other names: NM_001277115.2:c.4130G>A; short protein forms W1377*.
Identifiers: ClinVar variation 3776919 (VCV003776919.1).

ClinVar aggregate classification (germline): Likely pathogenic (1 of 4 stars; one submission).

Conditions:
Primary ciliary dyskinesia 7. Also called: CILIARY DYSKINESIA, PRIMARY, 7, WITH OR WITHOUT SITUS INVERSUS. Identifiers: Orphanet 244, MedGen C2678473, MONDO:0012748, OMIM 611884.

gnomAD v4.1: 1 of 1,613,842 alleles (0.000062%); highest among the groups gnomAD compares: South Asian, 0.0011%; no homozygotes.

Submission:

Broad Center for Mendelian Genomics, Broad Institute of MIT and Harvard
Classification: Likely pathogenic for Primary ciliary dyskinesia 7. Last evaluated: 2025-02-12. Review status: criteria provided, single submitter. Criteria: ACMG Guidelines, 2015. Collection method: curation. Allele origin: germline. Inheritance: Autosomal recessive inheritance.
Comment: The p.Trp1377Ter variant in DNAH11 has been reported in 2 siblings with primary ciliary dyskinesia (PMID: 20513915), and has been identified 0.001% (1/91074) of South Asian chromosomes by the Genome Aggregation Database (gnomAD; dbSNP rs778297431). Although this variant has been seen in the general population in a heterozygous state, its frequency is low enough to be consistent with a recessive carrier frequency. This nonsense variant leads to a premature termination codon at position 1377, which is predicted to lead to a truncated or absent protein. Loss of function of the DNAH11 gene is an established disease mechanism in autosomal recessive primary ciliary dyskinesia. In summary, although additional studies are required to fully establish its clinical significance, this variant is likely pathogenic for primary ciliary dyskinesia. ACMG/AMP Criteria applied: PVS1, PM2_supporting (Richards 2015).